The following is an entry in ClinVar:

NM_001042424.3(NSD2):c.1249G>A (p.Asp417Asn)

Gene: NSD2 (nuclear receptor binding SET domain protein 2; plus strand). Cytogenetic location: 4p16.3.
Variant type: single nucleotide variant.
Coding change: c.1249G>A on transcript NM_001042424.3 (MANE Select); coding-DNA position 1249, G replaced by A.
Protein change: p.Asp417Asn; replaces aspartic acid 417 with asparagine.
Molecular consequence: missense variant.
Genome position (GRCh38, 1-based): chr4:1,918,462, G>A. VCF-style: chr4-1918462-G-A. GRCh37 (hg19) VCF-style: chr4-1920189-G-A.
Other names: c.1249G>A, p.Asp417Asn (NM_007331.2, NM_133330.3, NM_133331.3 and 2 more transcripts); short protein forms D417N.
Identifiers: ClinVar variation 1680169 (VCV001680169.13), dbSNP rs745921448, ClinGen allele CA2812046.
Genomic context (GRCh38, chr4:1,918,462, plus strand): 5'-ATGAAGAGAAGGCGGAGGGCCAAACTGTGTAGCTCTGCAGAGACCCTGGAGAGTCACCCC[G>A]ACATAGGGAAGAGTACTCCTCAAAAGACGGCAGAGGCTGACCCCAGAAGAGGAGTAGGGT-3'
Protein context (NP_001035889.1, residues 407-427): SSAETLESHP[Asp417Asn]IGKSTPQKTA

ClinVar aggregate classification (germline): Benign/Likely benign. Review status: criteria provided, multiple submitters, no conflicts (2 of 4 stars). 3 submissions from 3 submitters: Benign (2); Likely benign (1). Last evaluated 2026-02-01.

Allele frequency attached by ClinVar (database versions not stated): gnomAD 0.00001; gnomAD exomes 0.00001 and 0.00002; TOPMed 0.00001; ExAC 0.00002.
gnomAD v4.1: 24 of 1,613,914 alleles (0.0015%); highest among the groups gnomAD compares: Middle Eastern, 0.016%; no homozygotes.

Submissions (3):

CeGaT Center for Human Genetics Tuebingen
Classification: Likely benign. Last evaluated: 2026-02-01. Review status: criteria provided, single submitter. Criteria: CeGaT Center For Human Genetics Tuebingen Variant Classification Criteria Version 2. Collection method: clinical testing. Allele origin: germline. Affected: yes. Observed: 1 variant allele.
Comment: NSD2: BS2

Labcorp Genetics (formerly Invitae), Labcorp
Classification: Benign. Last evaluated: 2022-10-05. Review status: criteria provided, single submitter. Criteria: Invitae Variant Classification Sherloc (09022015). Collection method: clinical testing. Allele origin: germline.

Breakthrough Genomics
Classification: Benign. Review status: criteria provided, single submitter. Criteria: ACMG Guidelines, 2015. Collection method: not provided. Allele origin: germline. Inheritance: Autosomal dominant inheritance. Affected: yes.